The following is an entry in ClinVar:

NM_177438.3(DICER1):c.1688T>G (p.Leu563Ter)

Gene: DICER1 (dicer 1, ribonuclease III; minus strand). Cytogenetic location: 14q32.13.
Variant type: single nucleotide variant.
Coding change: c.1688T>G on transcript NM_177438.3 (MANE Select); coding-DNA position 1688, T replaced by G.
Protein change: p.Leu563Ter; replaces leucine 563 with a stop codon.
Molecular consequence: nonsense. On other transcripts: non-coding transcript variant (6).
Genome position (GRCh38, 1-based): chr14:95,116,517, A>C on the plus strand (T>G on the coding strand, the complement: DICER1 is on the minus strand). VCF-style: chr14-95116517-A-C. GRCh37 (hg19) VCF-style: chr14-95582854-A-C.
Other names: c.1688T>G, p.Leu563Ter (NM_001395695.1, NM_030621.4, NM_001195573.1 and 12 more transcripts); c.1283T>G, p.Leu428Ter (NM_001395696.1, NM_001395698.1, NM_001395687.1 and 3 more transcripts); c.5T>G, p.Leu2Ter (NM_001395697.1); c.1406T>G, p.Leu469Ter (NM_001395686.1); c.1121T>G, p.Leu374Ter (NM_001395691.1); short protein forms L2*, L374*, L469*, L563*, L428*.
Identifiers: ClinVar variation 3658594 (VCV003658594.2).

ClinVar aggregate classification (germline): Pathogenic (1 of 4 stars; one submission).

Conditions:
DICER1-related tumor predisposition. Also called: DICER1-related pleuropulmonary blastoma cancer predisposition syndrome; DICER1 syndrome. Identifiers: Orphanet 284343, MedGen C3839822, MONDO:0100216.

Submission:

Labcorp Genetics (formerly Invitae), Labcorp
Classification: Pathogenic for DICER1-related tumor predisposition. Last evaluated: 2024-07-03. Review status: criteria provided, single submitter. Criteria: Invitae Variant Classification Sherloc (09022015). Collection method: clinical testing. Allele origin: germline.
Comment: This sequence change creates a premature translational stop signal (p.Leu563*) in the DICER1 gene. It is expected to result in an absent or disrupted protein product. Loss-of-function variants in DICER1 are known to be pathogenic (PMID: 19556464, 21266384). This variant is not present in population databases (gnomAD no frequency). This variant has not been reported in the literature in individuals affected with DICER1-related conditions. For these reasons, this variant has been classified as Pathogenic.

Literature cited by the submitters: PubMed 19556464; PubMed 21266384.